The following is an entry in ClinVar:

ClinVar aggregate classification (germline): Uncertain significance (1 of 4 stars; one submission).

Submission:

GeneDx
Classification: Uncertain significance. Last evaluated: 2025-02-10. Review status: criteria provided, single submitter. Criteria: GeneDx Variant Classification Process June 2021. Collection method: clinical testing. Allele origin: germline. Affected: yes.
Comment: Not observed at significant frequency in large population cohorts (gnomAD); In silico analysis indicates that this missense variant does not alter protein structure/function; Has not been previously published as pathogenic or benign to our knowledge

NM_001375380.1(EBF3):c.1389T>A (p.Asn463Lys)

Gene: EBF3 (EBF transcription factor 3; minus strand). Cytogenetic location: 10q26.3.
Variant type: single nucleotide variant.
Coding change: c.1389T>A on transcript NM_001375380.1 (MANE Select); coding-DNA position 1389, T replaced by A.
Protein change: p.Asn463Lys; replaces asparagine 463 with lysine.
Molecular consequence: missense variant. On other transcripts: intron variant (1).
Genome position (GRCh38, 1-based): chr10:129,841,016, A>T on the plus strand (T>A on the coding strand, the complement: EBF3 is on the minus strand). VCF-style: chr10-129841016-A-T. GRCh37 (hg19) VCF-style: chr10-131639280-A-T.
Other names: c.1389T>A, p.Asn463Lys (NM_001375389.1, NM_001375391.1, NM_001375379.1); c.1362T>A, p.Asn454Lys (NM_001375390.1, NM_001005463.3); c.1346-574T>A (NM_001375392.1); short protein forms N454K, N463K.
Identifiers: ClinVar variation 4074377 (VCV004074377.1).